The following is an entry in ClinVar:

ClinVar aggregate classification (germline): Uncertain significance (1 of 4 stars; one submission).

Conditions:
Cardiovascular phenotype. Identifiers: MedGen CN230736.
Hereditary cancer-predisposing syndrome. Also called: Neoplastic Syndromes, Hereditary; Tumor predisposition; Hereditary Cancer Syndrome; Hereditary neoplastic syndrome. Identifiers: Orphanet 140162, MedGen C0027672, MeSH D009386, MONDO:0015356.

Submission:

Ambry Genetics
Classification: Uncertain significance for Cardiovascular phenotype; Hereditary cancer-predisposing syndrome. Last evaluated: 2026-05-11. Review status: criteria provided, single submitter. Criteria: Ambry Variant Classification Scheme 2023. Collection method: clinical testing. Allele origin: germline.
Comment: The p.A477T variant (also known as c.1429G>A), located in coding exon 13 of the LZTR1 gene, results from a G to A substitution at nucleotide position 1429. The alanine at codon 477 is replaced by threonine, an amino acid with similar properties. This amino acid position is highly conserved in available vertebrate species. In addition, the in silico prediction for this alteration is inconclusive. Based on the available evidence, the clinical significance of this variant remains unclear.

NM_006767.4(LZTR1):c.1429G>A (p.Ala477Thr)

Gene: LZTR1 (leucine zipper like post translational regulator 1; plus strand). Cytogenetic location: 22q11.21.
Variant type: single nucleotide variant.
Coding change: c.1429G>A on transcript NM_006767.4 (MANE Select); coding-DNA position 1429, G replaced by A.
Protein change: p.Ala477Thr; replaces alanine 477 with threonine.
Molecular consequence: missense variant.
Genome position (GRCh38, 1-based): chr22:20,993,999, G>A. VCF-style: chr22-20993999-G-A. GRCh37 (hg19) VCF-style: chr22-21348288-G-A.
Other names: short protein forms A477T.
Identifiers: ClinVar variation 4859404 (VCV004859404.1).